The following is an entry in ClinVar:

NM_000501.4(ELN):c.686-2A>G

Gene: ELN (elastin; plus strand). Cytogenetic location: 7q11.23.
Variant type: single nucleotide variant.
Coding change: c.686-2A>G on transcript NM_000501.4 (MANE Select); the canonical splice acceptor site of the intron before coding-DNA position 686, A replaced by G.
Molecular consequence: splice acceptor variant.
Genome position (GRCh38, 1-based): chr7:74,048,140, A>G. VCF-style: chr7-74048140-A-G. GRCh37 (hg19) VCF-style: chr7-73462470-A-G.
Other names: c.701-2A>G (NM_001081754.3, NM_001081753.3); c.686-2A>G (NM_001278939.2, NM_001278915.2, NM_001278912.2 and 1 more transcripts); c.644-2A>G (NM_001278916.2); c.578-2A>G (NM_001278913.2); c.671-2A>G (NM_001278914.2); c.656-2A>G (NM_001278917.2, NM_001081752.3); c.554-2A>G (NM_001278918.2).
Identifiers: ClinVar variation 950844 (VCV000950844.12), dbSNP rs782390271, ClinGen allele CA4292639.

ClinVar aggregate classification (germline): Likely pathogenic. Review status: criteria provided, multiple submitters, no conflicts (2 of 4 stars). 3 submissions from 3 submitters: Likely pathogenic (3). Last evaluated 2025-09-10.

Conditions:
Supravalvar aortic stenosis (SVAS). Also called: Supravalvar aortic stenosis, Eisenberg type. Identifiers: Orphanet 3193, MedGen C0003499, MONDO:0008504, OMIM 185500, HP:0004381.

Allele frequency attached by ClinVar (database versions not stated): gnomAD 0.00001; gnomAD exomes 0.00001 and 0.00003; ExAC 0.00002; TOPMed 0.00003.
gnomAD v4.1: 9 of 1,613,942 alleles (0.00056%); highest among the groups gnomAD compares: East Asian, 0.02%; no homozygotes.

Submissions (3):

3billion
Classification: Likely pathogenic for Supravalvar aortic stenosis. Last evaluated: 2025-09-10. Review status: criteria provided, single submitter. Criteria: ACMG Guidelines, 2015. Collection method: clinical testing. Allele origin: germline. Affected: yes.
Comment: The variant is observed at an allele frequency greater than expected for the associated disorder in the gnomAD v4.1.0 dataset and therefore considered benign. Predicted Consequence/Location: Canonical splice site: predicted to alter splicing and result in a loss or disruption of normal protein function. Multiple pathogenic loss-of-function variants are reported downstream of the variant. In silico tools predict the variant to alter splicing and produce an abnormal transcript [SpliceAI: 1.00 (spliceogenicity >=0.2, non-spliceogenicity <0.1)]. The variant has been reported at least twice as pathogenic with clinical assertions and evidence for the classification (ClinVar ID: VCV000950844 /PMID: 35861108). Therefore, this variant is classified as Likely pathogenic according to the recommendation of ACMG/AMP guideline.

Labcorp Genetics (formerly Invitae), Labcorp
Classification: Likely pathogenic for Supravalvar aortic stenosis. Last evaluated: 2024-10-12. Review status: criteria provided, single submitter. Criteria: Invitae Variant Classification Sherloc (09022015). Collection method: clinical testing. Allele origin: germline.
Comment: This sequence change affects an acceptor splice site in intron 13 of the ELN gene. It is expected to disrupt RNA splicing. Variants that disrupt the donor or acceptor splice site typically lead to a loss of protein function (PMID: 16199547), and loss-of-function variants in ELN are known to be pathogenic (PMID: 11175284). This variant is present in population databases (rs782390271, gnomAD 0.04%). This variant has not been reported in the literature in individuals affected with ELN-related conditions. ClinVar contains an entry for this variant (Variation ID: 950844). Algorithms developed to predict the effect of sequence changes on RNA splicing suggest that this variant may disrupt the consensus splice site. In summary, the currently available evidence indicates that the variant is pathogenic, but additional data are needed to prove that conclusively. Therefore, this variant has been classified as Likely Pathogenic.

Juno Genomics, Hangzhou Juno Genomics, Inc
Classification: Likely pathogenic for Supravalvar aortic stenosis. Review status: criteria provided, single submitter. Criteria: ACMG Guidelines, 2015. Collection method: clinical testing. Allele origin: germline.
Comment: Absent from controls (or at extremely low frequency if recessive) in Genome Aggregation Database.;Null variant in a gene where loss of function (LOF) is a known mechanism of disease.;The prevalence of the variant in affected individuals is significantly increased compared to the prevalence in controls.

Literature cited by the submitters: PubMed 35861108 (cited by 3billion); PubMed 16199547 (cited by Labcorp Genetics (formerly Invitae), Labcorp); PubMed 11175284 (cited by Labcorp Genetics (formerly Invitae), Labcorp).